The following is an entry in ClinVar:

NM_014165.4(NDUFAF4):c.83C>G (p.Ser28Cys)

Genes: NDUFAF4 (NADH:ubiquinone oxidoreductase complex assembly factor 4; minus strand), LOC129996857 (ATAC-STARR-seq lymphoblastoid active region 24846; plus strand). Cytogenetic location: 6q16.1.
Variant type: single nucleotide variant.
Coding change: c.83C>G on transcript NM_014165.4 (MANE Select); coding-DNA position 83, C replaced by G.
Protein change: p.Ser28Cys; replaces serine 28 with cysteine.
Molecular consequence: missense variant.
Genome position (GRCh38, 1-based): chr6:96,897,719, G>C on the plus strand (C>G on the coding strand, the complement: NDUFAF4 is on the minus strand). VCF-style: chr6-96897719-G-C. GRCh37 (hg19) VCF-style: chr6-97345595-G-C.
Other names: short protein forms S28C.
Identifiers: ClinVar variation 1029250 (VCV001029250.1), dbSNP rs1775406837, ClinGen allele CA365281345.

ClinVar aggregate classification (germline): Uncertain significance (1 of 4 stars; one submission).

Conditions:
Mitochondrial complex I deficiency, nuclear type 15. Also called: Mitochondrial complex 1 deficiency, nuclear type 15. Identifiers: MedGen C4748778, MONDO:0032620, OMIM 618237.

gnomAD v4.1: 4 of 1,614,088 alleles (0.00025%); highest among the groups gnomAD compares: Middle Eastern, 0.016%; no homozygotes.

Submission:

Baylor Genetics
Classification: Uncertain significance for Mitochondrial complex I deficiency, nuclear type 15. Last evaluated: 2020-06-03. Review status: criteria provided, single submitter. Criteria: ACMG Guidelines, 2015. Collection method: clinical testing. Allele origin: unknown. Affected: yes.
Comment: This variant was determined to be of uncertain significance according to ACMG Guidelines, 2015 [PMID:25741868].